The following is an entry in ClinVar:

NM_001198533.2(OXR1):c.693G>A (p.Val231=)

Gene: OXR1 (oxidation resistance 1; plus strand). Cytogenetic location: 8q23.1.
Variant type: single nucleotide variant.
Coding change: c.693G>A on transcript NM_001198533.2 (MANE Select); coding-DNA position 693, G replaced by A.
Protein change: p.Val231=; no amino-acid change (valine 231 retained).
Molecular consequence: synonymous variant.
Genome position (GRCh38, 1-based): chr8:106,702,923, G>A. VCF-style: chr8-106702923-G-A. GRCh37 (hg19) VCF-style: chr8-107715151-G-A.
Other names: c.696G>A, p.Val232= (NM_001198532.1); c.693G>A, p.Val231= (NM_018002.3); c.672G>A, p.Val224= (NM_181354.4).
Identifiers: ClinVar variation 4084113 (VCV004084113.8).

ClinVar aggregate classification (germline): Benign (1 of 4 stars; one submission).

gnomAD v4.1: 1,229 of 1,613,080 alleles (0.076%); highest among the groups gnomAD compares: South Asian, 1.3%; 21 homozygotes.

Submission:

CeGaT Center for Human Genetics Tuebingen
Classification: Benign. Last evaluated: 2026-01-01. Review status: criteria provided, single submitter. Criteria: CeGaT Center For Human Genetics Tuebingen Variant Classification Criteria Version 2. Collection method: clinical testing. Allele origin: germline. Affected: yes. Observed: 4 variant alleles.
Comment: OXR1: BP4, BP7, BS1, BS2